The following is an entry in ClinVar:

ClinVar aggregate classification (germline): Likely benign. Review status: criteria provided, single submitter (1 of 4 stars). 2 submissions from 2 submitters: Likely benign (1). 1 of the submissions does not count toward it. Last evaluated 2023-04-05.

Conditions:
KRT9-related disorder. Also called: KRT9-related condition.

Allele frequency attached by ClinVar (database versions not stated): gnomAD 0.00001; TOPMed 0.00001.

Submissions (2):

Blueprint Genetics
Classification: Likely benign. Last evaluated: 2023-04-05. Review status: criteria provided, single submitter. Criteria: ACMG Guidelines, 2015. Collection method: clinical testing. Allele origin: germline.

PreventionGenetics, part of Exact Sciences
Classification: Likely benign for KRT9-related condition. Last evaluated: 2020-05-11. Review status: no assertion criteria provided. Collection method: clinical testing. Allele origin: germline. Not counted in ClinVar's aggregate classification.
Comment: This variant is classified as likely benign based on ACMG/AMP sequence variant interpretation guidelines (Richards et al. 2015 PMID: 25741868, with internal and published modifications).

NM_000226.4(KRT9):c.45C>T (p.Gly15=)

Gene: KRT9 (keratin 9; minus strand). Cytogenetic location: 17q21.2.
Variant type: single nucleotide variant.
Coding change: c.45C>T on transcript NM_000226.4 (MANE Select); coding-DNA position 45, C replaced by T.
Protein change: p.Gly15=; no amino-acid change (glycine 15 retained).
Molecular consequence: synonymous variant.
Genome position (GRCh38, 1-based): chr17:41,571,948, G>A on the plus strand (C>T on the coding strand, the complement: KRT9 is on the minus strand). VCF-style: chr17-41571948-G-A. GRCh37 (hg19) VCF-style: chr17-39728200-G-A.
Identifiers: ClinVar variation 3034059 (VCV003034059.3), dbSNP rs1376670648, ClinGen allele CA500204953.
Genomic context (GRCh38, chr17:41,571,948, plus strand): 5'-GAAGCGGCTGTAGGAAGACCTTATGCTGCCCCCGCTGCCCAGGCCGCCCCCGCCACCCCC[G>A]CCGCTGCGGCTCAAGTAGGACGAGGAGAACTGTCTGCAGCTCATGACACAGCTGGTAGCT-3'
Protein context (NP_000217.2, residues 5-25): QFSSSYLSRS[Gly15=]GGGGGGLGSG